The following is an entry in ClinVar:

NM_017617.5(NOTCH1):c.3511-1G>A

Gene: NOTCH1 (notch receptor 1; minus strand). Cytogenetic location: 9q34.3.
Variant type: single nucleotide variant.
Coding change: c.3511-1G>A on transcript NM_017617.5 (MANE Select); the canonical splice acceptor site of the intron before coding-DNA position 3511, G replaced by A.
Molecular consequence: splice acceptor variant.
Genome position (GRCh38, 1-based): chr9:136,507,438, C>T on the plus strand (G>A on the coding strand, the complement: NOTCH1 is on the minus strand). VCF-style: chr9-136507438-C-T. GRCh37 (hg19) VCF-style: chr9-139401890-C-T.
Identifiers: ClinVar variation 1678147 (VCV001678147.3), dbSNP rs2133345379, ClinGen allele CA375550212.

ClinVar aggregate classification (germline): Likely pathogenic. Review status: criteria provided, multiple submitters, no conflicts (2 of 4 stars). 2 submissions from 2 submitters: Likely pathogenic (2). Last evaluated 2025-10-08.

Conditions:
Adams-Oliver syndrome 5 (AOS5). Identifiers: Orphanet 974, MedGen C4014970, MONDO:0014459, OMIM 616028.

Submissions (2):

Labcorp Genetics (formerly Invitae), Labcorp
Classification: Likely pathogenic for Adams-Oliver syndrome 5. Last evaluated: 2025-10-08. Review status: criteria provided, single submitter. Criteria: Invitae Variant Classification Sherloc (09022015). Collection method: clinical testing. Allele origin: germline.
Comment: This sequence change affects an acceptor splice site in intron 21 of the NOTCH1 gene. It is expected to disrupt RNA splicing. Variants that disrupt the donor or acceptor splice site typically lead to a loss of protein function (PMID: 16199547), and loss-of-function variants in NOTCH1 are known to be pathogenic (PMID: 16025100, 21457232, 25132448, 25963545, 32720365, 33630301). This variant is not present in population databases (gnomAD no frequency). This variant has not been reported in the literature in individuals affected with NOTCH1-related conditions. ClinVar contains an entry for this variant (Variation ID: 1678147). Algorithms developed to predict the effect of sequence changes on RNA splicing suggest that this variant may disrupt the consensus splice site. In summary, the currently available evidence indicates that the variant is pathogenic, but additional data are needed to prove that conclusively. Therefore, this variant has been classified as Likely Pathogenic.

AiLife Diagnostics
Classification: Likely pathogenic. Last evaluated: 2022-01-01. Review status: criteria provided, single submitter. Criteria: ACMG Guidelines, 2015. Collection method: clinical testing. Allele origin: germline. Affected: yes. Observed: 1 variant allele.

Literature cited by the submitters: PubMed 16199547 (cited by Labcorp Genetics (formerly Invitae), Labcorp); PubMed 16025100 (cited by Labcorp Genetics (formerly Invitae), Labcorp); PubMed 21457232 (cited by Labcorp Genetics (formerly Invitae), Labcorp); PubMed 25132448 (cited by Labcorp Genetics (formerly Invitae), Labcorp); PubMed 25963545 (cited by Labcorp Genetics (formerly Invitae), Labcorp); PubMed 32720365 (cited by Labcorp Genetics (formerly Invitae), Labcorp); PubMed 33630301 (cited by Labcorp Genetics (formerly Invitae), Labcorp).